The following is an entry in ClinVar:

ClinVar aggregate classification (germline): Uncertain significance (1 of 4 stars; one submission).

Conditions:
Hereditary cancer-predisposing syndrome. Also called: Neoplastic Syndromes, Hereditary; Tumor predisposition; Hereditary Cancer Syndrome; Hereditary neoplastic syndrome. Identifiers: Orphanet 140162, MedGen C0027672, MeSH D009386, MONDO:0015356.

Submission:

Ambry Genetics
Classification: Uncertain significance for Hereditary cancer-predisposing syndrome. Last evaluated: 2025-10-14. Review status: criteria provided, single submitter. Criteria: Ambry Variant Classification Scheme 2023. Collection method: clinical testing. Allele origin: germline.
Comment: The p.G235E variant (also known as c.704G>A), located in coding exon 8 of the NF2 gene, results from a G to A substitution at nucleotide position 704. The glycine at codon 235 is replaced by glutamic acid, an amino acid with similar properties. This amino acid position is conserved. In addition, this alteration is predicted to be deleterious by in silico analysis. Based on the available evidence, the clinical significance of this variant remains unclear.

NM_000268.4(NF2):c.704G>A (p.Gly235Glu)

Gene: NF2 (NF2, moesin-ezrin-radixin like (MERLIN) tumor suppressor; plus strand). Cytogenetic location: 22q12.2.
Variant type: single nucleotide variant.
Coding change: c.704G>A on transcript NM_000268.4 (MANE Select); coding-DNA position 704, G replaced by A.
Protein change: p.Gly235Glu; replaces glycine 235 with glutamic acid.
Molecular consequence: missense variant. On other transcripts: non-coding transcript variant (1), intron variant (4).
Genome position (GRCh38, 1-based): chr22:29,661,233, G>A. VCF-style: chr22-29661233-G-A. GRCh37 (hg19) VCF-style: chr22-30057222-G-A.
Other names: c.590G>A, p.Gly197Glu (NM_001407053.1, NM_001407056.1); c.581G>A, p.Gly194Glu (NM_001407054.1, NM_001407058.1, NM_181829.3); c.578G>A, p.Gly193Glu (NM_001407055.1, NM_181828.3); c.704G>A, p.Gly235Glu (NM_001407060.1, NM_001407066.1, NM_016418.5 and 2 more transcripts); c.455G>A, p.Gly152Glu (NM_001407063.1, NM_001407064.1, NM_181830.3 and 1 more transcripts); c.170G>A, p.Gly57Glu (NM_001407065.1); c.473G>A, p.Gly158Glu (NM_001407067.1); c.675+2969G>A (NM_001407059.1, NM_001407057.1); and 2 more; short protein forms G193E, G197E, G235E, G158E, G57E, G152E, G194E.
Identifiers: ClinVar variation 4661440 (VCV004661440.1).
Genomic context (GRCh38, chr22:29,661,233, plus strand): 5'-GCTTACAGTAGCTGTTCTTATTGGATCCACAGAATAAAAAGGGCACAGAGCTGCTGCTTG[G>A]AGTGGATGCCCTGGGGCTTCACATTTATGACCCTGAGAACAGACTGACCCCCAAGATCTC-3'
Protein context (NP_000259.1, residues 225-245): RNKKGTELLL[Gly235Glu]VDALGLHIYD